The following is an entry in ClinVar:

ClinVar aggregate classification (germline): Pathogenic. Review status: criteria provided, multiple submitters, no conflicts (2 of 4 stars). 2 submissions from 2 submitters: Pathogenic (2). Last evaluated 2024-07-20.

Conditions:
Tuberous sclerosis 1 (TSC1). Identifiers: Orphanet 805, MedGen C1854465, MONDO:0008612, OMIM 191100.

Submissions (2):

Labcorp Genetics (formerly Invitae), Labcorp
Classification: Pathogenic for Tuberous sclerosis 1. Last evaluated: 2024-07-20. Review status: criteria provided, single submitter. Criteria: Invitae Variant Classification Sherloc (09022015). Collection method: clinical testing. Allele origin: germline.
Comment: This sequence change creates a premature translational stop signal (p.Thr339Asnfs*2) in the TSC1 gene. It is expected to result in an absent or disrupted protein product. Loss-of-function variants in TSC1 are known to be pathogenic (PMID: 10227394, 17304050). This variant is not present in population databases (gnomAD no frequency). This premature translational stop signal has been observed in individual(s) with clinical features of tuberous sclerosis (PMID: 20547222). This variant is also known as p.T339X. ClinVar contains an entry for this variant (Variation ID: 2136827). For these reasons, this variant has been classified as Pathogenic.

ARUP Laboratories, Molecular Genetics and Genomics, ARUP Laboratories
Classification: Pathogenic. Last evaluated: 2024-06-18. Review status: criteria provided, single submitter. Criteria: ARUP Molecular Germline Variant Investigation Process 2024. Collection method: clinical testing. Allele origin: germline.
Comment: The TSC1 c.1015dup; p.Thr339AsnfsTer2 variant (ClinVar Variation ID: 2136827) is reported in the literature in an individual affected with tuberous sclerosis (Hoogeveen-Westerveld 2010). This variant is absent from the Genome Aggregation Database (v2.1.1), indicating it is not a common polymorphism. This variant causes a frameshift by inserting a single nucleotide, so it is predicted to result in a truncated protein or mRNA subject to nonsense-mediated decay. Based on available information, this variant is considered to be pathogenic. References: Hoogeveen-Westerveld M et al. Analysis of TSC1 truncations defines regions involved in TSC1 stability, aggregation and interaction. Biochim Biophys Acta. 2010 Sep;1802(9):774-81. PMID: 20547222.

Literature cited by the submitters: PubMed 10227394 (cited by Labcorp Genetics (formerly Invitae), Labcorp); PubMed 17304050 (cited by Labcorp Genetics (formerly Invitae), Labcorp); PubMed 20547222 (cited by Labcorp Genetics (formerly Invitae), Labcorp).

NM_000368.5(TSC1):c.1015dup (p.Thr339fs)

Gene: TSC1 (TSC complex subunit 1; minus strand). Cytogenetic location: 9q34.13.
Variant type: Duplication.
Coding change: c.1015dup on transcript NM_000368.5 (MANE Select); coding-DNA position 1015, one base duplicated (A; older notation c.1015dupA).
Protein change: p.Thr339fs; shifts the reading frame from threonine 339.
Molecular consequence: frameshift variant.
Genome position (GRCh38, 1-based): chr9:132,911,467, T duplicated on the plus strand (A on the coding strand, the reverse complement: TSC1 is on the minus strand); the first of 2 consecutive T bases (chr9:132,911,467-132,911,468); duplicating either gives the same sequence. VCF-style (leftmost placement, unchanged base first): chr9-132911466-G-GT. GRCh37 (hg19) VCF-style: chr9-135786853-G-GT.
Other names: c.1015dup, p.Thr339fs (NM_001162426.2); c.862dup, p.Thr288fs (NM_001162427.2); c.652dup, p.Thr218fs (NM_001362177.2); c.1014dup, p.Thr339Asnfs (NM_001406592.1, NM_001406593.1, NM_001406594.1 and 15 more transcripts); c.861dup, p.Thr288Asnfs (NM_001406610.1, NM_001406611.1, NM_001406612.1 and 1 more transcripts); c.651dup, p.Thr218Asnfs (NM_001406614.1, NM_001406615.1, NM_001406616.1 and 9 more transcripts); c.63dup, p.Thr22Asnfs (NM_001406626.1, NM_001406627.1, NM_001406628.1); c.-80dup (NM_001406629.1, NM_001406630.1); short protein forms T218fs, T339fs, T288fs.
Identifiers: ClinVar variation 2136827 (VCV002136827.5), dbSNP rs2538865020, ClinGen allele CA2580079995.